The following is an entry in ClinVar:

ClinVar aggregate classification (germline): Pathogenic (1 of 4 stars; one submission).

Submission:

Athena Diagnostics
Classification: Pathogenic. Last evaluated: 2024-09-23. Review status: criteria provided, single submitter. Criteria: Athena Diagnostics Criteria. Collection method: clinical testing. Allele origin: unknown.
Comment: This variant is expected to result in the loss of a functional protein. This variant has not been reported in large, multi-ethnic general populations. This variant has been identified in at least one individual tested at Athena Diagnostics with clinical features associated with this gene.

NM_014946.4(SPAST):c.1626_1647dup (p.Thr550delinsTrpIleLeuArgLysTer)

Gene: SPAST (spastin; plus strand). Cytogenetic location: 2p22.3.
Variant type: Duplication.
Coding change: c.1626_1647dup on transcript NM_014946.4 (MANE Select); coding-DNA positions 1626 to 1647, 22 bases duplicated (TGGATACTCAGGAAGTGACCTA).
Protein change: p.Thr550delinsTrpIleLeuArgLysTer.
Molecular consequence: nonsense. On other transcripts: intron variant (1).
Genome position (GRCh38, 1-based): chr2:32,144,946-32,144,967, TGGATACTCAGGAAGTGACCTA duplicated; duplicating any 22 consecutive bases within chr2:32,144,945-32,144,967 gives the same sequence; the c. name uses the placement nearest the transcript's 3' end. VCF-style (leftmost placement, unchanged base first): chr2-32144944-G-GATGGATACTCAGGAAGTGACCT. GRCh37 (hg19) VCF-style: chr2-32370013-G-GATGGATACTCAGGAAGTGACCT.
Other names: c.1623_1644dup, p.Thr549delinsTrpIleLeuArgLysTer (NM_001363823.2); c.1527_1548dup, p.Thr517delinsTrpIleLeuArgLysTer (NM_001363875.2); c.1530_1551dup, p.Thr518delinsTrpIleLeuArgLysTer (NM_199436.2); c.1520+1531_1520+1552dup (NM_001377959.1).
Identifiers: ClinVar variation 3571904 (VCV003571904.1).